The following is an entry in ClinVar:

ClinVar aggregate classification (germline): Pathogenic (1 of 4 stars; one submission).

Submission:

Labcorp Genetics (formerly Invitae), Labcorp
Classification: Pathogenic. Last evaluated: 2023-04-28. Review status: criteria provided, single submitter. Criteria: Invitae Variant Classification Sherloc (09022015). Collection method: clinical testing. Allele origin: germline.
Comment: Disruption of this splice site has been observed in individual(s) with oculocutaneous albinism (PMID: 20426782, 27734839). For these reasons, this variant has been classified as Pathogenic. Algorithms developed to predict the effect of sequence changes on RNA splicing suggest that this variant may disrupt the consensus splice site. This variant is not present in population databases (gnomAD no frequency). This sequence change affects an acceptor splice site in intron 9 of the OCA2 gene. It is expected to disrupt RNA splicing. Variants that disrupt the donor or acceptor splice site typically lead to a loss of protein function (PMID: 16199547), and loss-of-function variants in OCA2 are known to be pathogenic (PMID: 19865097, 21541274).

Literature cited by the submitters: PubMed 20426782; PubMed 27734839; PubMed 16199547; PubMed 19865097; PubMed 21541274.

NM_000275.3(OCA2):c.1045-1G>T

Gene: OCA2 (OCA2 melanosomal transmembrane protein; minus strand). Cytogenetic location: 15q13.1.
Variant type: single nucleotide variant.
Coding change: c.1045-1G>T on transcript NM_000275.3 (MANE Select); the canonical splice acceptor site of the intron before coding-DNA position 1045, G replaced by T.
Molecular consequence: splice acceptor variant. On other transcripts: intron variant (1).
Genome position (GRCh38, 1-based): chr15:27,990,648, C>A on the plus strand (G>T on the coding strand, the complement: OCA2 is on the minus strand). VCF-style: chr15-27990648-C-A. GRCh37 (hg19) VCF-style: chr15-28235794-C-A.
Other names: c.1045-982G>T (NM_001300984.2).
Identifiers: ClinVar variation 2860094 (VCV002860094.3), dbSNP rs2548363750, ClinGen allele CA391362486.